The following is an entry in ClinVar:

NM_000492.4(CFTR):c.2312A>G (p.Asn771Ser)

Gene: CFTR (CF transmembrane conductance regulator; plus strand). Cytogenetic location: 7q31.2.
Variant type: single nucleotide variant.
Coding change: c.2312A>G on transcript NM_000492.4 (MANE Select); coding-DNA position 2312, A replaced by G.
Protein change: p.Asn771Ser; replaces asparagine 771 with serine.
Molecular consequence: missense variant.
Genome position (GRCh38, 1-based): chr7:117,592,479, A>G. VCF-style: chr7-117592479-A-G. GRCh37 (hg19) VCF-style: chr7-117232533-A-G.
Other names: short protein forms N771S.
Identifiers: ClinVar variation 1789454 (VCV001789454.2), dbSNP rs2485110515, ClinGen allele CA368980951.

ClinVar aggregate classification (germline): Uncertain significance (1 of 4 stars; one submission).

Conditions:
Cystic fibrosis (CF). Also called: MUCOVISCIDOSIS. Identifiers: Orphanet 586, MedGen C0010674, MONDO:0009061, OMIM 219700. Disease mechanism: loss of function.

Allele frequency attached by ClinVar (database versions not stated): gnomAD exomes below 0.00001.
gnomAD v4.1: 2 of 1,554,756 alleles (0.00013%); highest among the groups gnomAD compares: Non-Finnish European, 0.00017%; no homozygotes.

Submission:

Ambry Genetics
Classification: Uncertain significance for Cystic fibrosis. Last evaluated: 2024-02-02. Review status: criteria provided, single submitter. Criteria: Ambry Variant Classification Scheme 2023. Collection method: clinical testing. Allele origin: germline.
Comment: The p.N771S variant (also known as c.2312A>G), located in coding exon 14 of the CFTR gene, results from an A to G substitution at nucleotide position 2312. The asparagine at codon 771 is replaced by serine, an amino acid with highly similar properties. This amino acid position is not well conserved in available vertebrate species, and serine is the reference amino acid in other vertebrate species. In addition, the in silico prediction for this alteration is inconclusive. Since supporting evidence is limited at this time, the clinical significance of this alteration remains unclear.